The following is an entry in ClinVar:

ClinVar aggregate classification (germline): Uncertain significance (1 of 4 stars; one submission).

Submission:

Labcorp Genetics (formerly Invitae), Labcorp
Classification: Uncertain significance. Last evaluated: 2023-11-25. Review status: criteria provided, single submitter. Criteria: Invitae Variant Classification Sherloc (09022015). Collection method: clinical testing. Allele origin: germline.
Comment: This sequence change replaces glutamine, which is neutral and polar, with proline, which is neutral and non-polar, at codon 288 of the DNAJC17 protein (p.Gln288Pro). This variant is not present in population databases (gnomAD no frequency). This variant has not been reported in the literature in individuals affected with DNAJC17-related conditions. An algorithm developed to predict the effect of missense changes on protein structure and function (PolyPhen-2) suggests that this variant is likely to be disruptive. In summary, the available evidence is currently insufficient to determine the role of this variant in disease. Therefore, it has been classified as a Variant of Uncertain Significance.

NM_018163.3(DNAJC17):c.863A>C (p.Gln288Pro)

Gene: DNAJC17 (DnaJ heat shock protein family (Hsp40) member C17; minus strand). Cytogenetic location: 15q15.1.
Variant type: single nucleotide variant.
Coding change: c.863A>C on transcript NM_018163.3 (MANE Select); coding-DNA position 863, A replaced by C.
Protein change: p.Gln288Pro; replaces glutamine 288 with proline.
Molecular consequence: missense variant.
Genome position (GRCh38, 1-based): chr15:40,767,992, T>G on the plus strand (A>C on the coding strand, the complement: DNAJC17 is on the minus strand). VCF-style: chr15-40767992-T-G. GRCh37 (hg19) VCF-style: chr15-41060190-T-G.
Other names: short protein forms Q288P.
Identifiers: ClinVar variation 2699040 (VCV002699040.3), dbSNP rs745770835, ClinGen allele CA391756615.